The following is an entry in ClinVar:

NM_015175.3(NBEAL2):c.6432del (p.Phe2144fs)

Gene: NBEAL2 (neurobeachin like 2; plus strand). Cytogenetic location: 3p21.31.
Variant type: Deletion.
Coding change: c.6432del on transcript NM_015175.3 (MANE Select); coding-DNA position 6432, one base deleted (T; older notation c.6432delT).
Protein change: p.Phe2144fs; shifts the reading frame from phenylalanine 2144.
Molecular consequence: frameshift variant.
Genome position (GRCh38, 1-based): chr3:47,005,193, T deleted; the last of 3 consecutive T bases (chr3:47,005,191-47,005,193); deleting any one gives the same sequence. VCF-style (leftmost placement, unchanged base first): chr3-47005190-CT-C. GRCh37 (hg19) VCF-style: chr3-47046680-CT-C.
Other names: c.6330del, p.Phe2110fs (NM_001365116.2); short protein forms F2110fs, F2144fs.
Identifiers: ClinVar variation 812962 (VCV000812962.2), dbSNP rs1575623114, ClinGen allele CA915942458.

ClinVar aggregate classification (germline): Pathogenic (1 of 4 stars; one submission).

Conditions:
Gray platelet syndrome (GPS). Also called: BLEEDING DISORDER, PLATELET-TYPE, 4. Identifiers: Orphanet 721, MedGen C0272302, MONDO:0007686, OMIM 139090.

Submission:

NIHR Bioresource Rare Diseases, University of Cambridge
Classification: Pathogenic for Gray platelet syndrome. Last evaluated: 2020-03-01. Review status: criteria provided, single submitter. Criteria: ACMG Guidelines, 2015. Collection method: research. Allele origin: unknown. Inheritance: Autosomal recessive inheritance. Affected: yes.
Comment: ACMG criteria: PVS1, PM2, PM3, PP4

Literature cited by the submitters: PubMed 32693407; PubMed 32581362.